The following is an entry in ClinVar:

ClinVar aggregate classification (germline): Uncertain significance (3 of 4 stars; one submission).

Conditions:
Monogenic diabetes. Identifiers: Orphanet 183625, MedGen C3888631, MONDO:0015967.

Submission:

ClinGen Monogenic Diabetes Variant Curation Expert Panel
Classification: Uncertain significance for Monogenic diabetes. Last evaluated: 2025-01-16. Review status: reviewed by expert panel. Criteria: ClinGen Diabetes ACMG Specifications HNF4A V2.0.0. Collection method: curation. Allele origin: germline. Inheritance: Autosomal dominant inheritance.
Comment: The c.950T>C variant in the hepatocyte nuclear factor 4-alpha gene, HNF4A, causes an amino acid change of leucine to proline at codon 317 (p.(Leu317Pro)) of NM_175914.5. This variant is absent from gnomAD v2.1.1 and v4.1 (PM2_Supporting). This variant is located within the ligand-binding domain (codons 180-220 and 300-350) of HNF4A, which is defined as critical for the protein’s function by the ClinGen MDEP (PM1_Supporting). This variant is predicted to be deleterious by computational evidence, with a REVEL score of 0.924, which is greater than the MDEP VCEP threshold of 0.70 (PP3). This variant was identified in an individual with diabetes; however, the calculated MODY probability is <50%; therefore PP4 will not be applied (internal lab contributors). In summary, c.950T>C meets the criteria to be classified as a variant of uncertain significance for monogenic diabetes. ACMG/AMP criteria applied, as specified by the ClinGen MDEP (specification version 2.0.0, approved 10/11/2023): PM1_Supporting, PM2_Supporting, PP3.

NM_175914.5(HNF4A):c.950T>C (p.Leu317Pro)

Gene: HNF4A (hepatocyte nuclear factor 4 alpha; plus strand). Cytogenetic location: 20q13.12.
Variant type: single nucleotide variant.
Coding change: c.950T>C on transcript NM_175914.5 (MANE Select); coding-DNA position 950, T replaced by C.
Protein change: p.Leu317Pro; replaces leucine 317 with proline.
Molecular consequence: missense variant.
Genome position (GRCh38, 1-based): chr20:44,424,141, T>C. VCF-style: chr20-44424141-T-C. GRCh37 (hg19) VCF-style: chr20-43052781-T-C.
Other names: NM_175914.5:c.950T>C; c.1016T>C, p.Leu339Pro (NM_000457.6, NM_178849.3, NM_178850.3); c.950T>C, p.Leu317Pro (NM_001030003.3, NM_001030004.3); c.995T>C, p.Leu332Pro (NM_001258355.2); c.941T>C, p.Leu314Pro (NM_001287182.2, NM_001287183.2, NM_001287184.2); short protein forms L314P, L317P, L332P, L339P.
Identifiers: ClinVar variation 3602119 (VCV003602119.1).